The following is an entry in ClinVar:

NM_032833.5(PPP1R15B):c.449A>G (p.Gln150Arg)

Gene: PPP1R15B (protein phosphatase 1 regulatory subunit 15B; minus strand). Cytogenetic location: 1q32.1.
Variant type: single nucleotide variant.
Coding change: c.449A>G on transcript NM_032833.5 (MANE Select); coding-DNA position 449, A replaced by G.
Protein change: p.Gln150Arg; replaces glutamine 150 with arginine.
Molecular consequence: missense variant.
Genome position (GRCh38, 1-based): chr1:204,410,963, T>C on the plus strand (A>G on the coding strand, the complement: PPP1R15B is on the minus strand). VCF-style: chr1-204410963-T-C. GRCh37 (hg19) VCF-style: chr1-204380091-T-C.
Other names: short protein forms Q150R.
Identifiers: ClinVar variation 3698159 (VCV003698159.2).

ClinVar aggregate classification (germline): Uncertain significance (1 of 4 stars; one submission).

gnomAD v4.1: 8 of 1,614,120 alleles (0.0005%); highest among the groups gnomAD compares: Admixed American, 0.0017%; no homozygotes.

Submission:

Labcorp Genetics (formerly Invitae), Labcorp
Classification: Uncertain significance. Last evaluated: 2024-02-12. Review status: criteria provided, single submitter. Criteria: Invitae Variant Classification Sherloc (09022015). Collection method: clinical testing. Allele origin: germline.
Comment: This sequence change replaces glutamine, which is neutral and polar, with arginine, which is basic and polar, at codon 150 of the PPP1R15B protein (p.Gln150Arg). This variant is present in population databases (rs759136870, gnomAD 0.003%). This variant has not been reported in the literature in individuals affected with PPP1R15B-related conditions. Advanced modeling of protein sequence and biophysical properties (such as structural, functional, and spatial information, amino acid conservation, physicochemical variation, residue mobility, and thermodynamic stability) performed at Invitae indicates that this missense variant is not expected to disrupt PPP1R15B protein function with a negative predictive value of 80%. In summary, the available evidence is currently insufficient to determine the role of this variant in disease. Therefore, it has been classified as a Variant of Uncertain Significance.